The following is an entry in ClinVar:

ClinVar aggregate classification (germline): Pathogenic. Review status: criteria provided, multiple submitters, no conflicts (2 of 4 stars). 2 submissions from 2 submitters: Pathogenic (2). Last evaluated 2024-05-08.

Conditions:
Fanconi anemia (FA). Also called: Fanconi's anemia. Identifiers: Orphanet 84, MedGen C0015625, MeSH D005199, MONDO:0019391.
Fanconi anemia complementation group A (FANCA). Also called: Fanconi anemia, group A; FANCA-Related Fanconi Anemia. Identifiers: Orphanet 84, MedGen C3469521, MONDO:0009215, OMIM 227650.

Submissions (2):

Myriad Genetics, Inc.
Classification: Pathogenic for Fanconi anemia complementation group A. Last evaluated: 2024-05-08. Review status: criteria provided, single submitter. Criteria: Myriad Autosomal Dominant, Autosomal Recessive and X-Linked Classification Criteria (2023). Collection method: clinical testing. Allele origin: unknown.
Comment: NM_000135.2(FANCA):c.1981A>T(R661*) is expected to be pathogenic in the context of Fanconi anemia complementation group A. This variant is predicted to lead to an abnormal or absent protein product due to the creation of a premature termination codon in FANCA, a gene where loss-of-function variants are known to be pathogenic. Please note: this variant was assessed in the context of healthy population screening.

Labcorp Genetics (formerly Invitae), Labcorp
Classification: Pathogenic for Fanconi anemia. Last evaluated: 2024-02-24. Review status: criteria provided, single submitter. Criteria: Invitae Variant Classification Sherloc (09022015). Collection method: clinical testing. Allele origin: germline.
Comment: This sequence change creates a premature translational stop signal (p.Arg661*) in the FANCA gene. It is expected to result in an absent or disrupted protein product. Loss-of-function variants in FANCA are known to be pathogenic (PMID: 19367192). This variant is not present in population databases (gnomAD no frequency). This variant has not been reported in the literature in individuals affected with FANCA-related conditions. ClinVar contains an entry for this variant (Variation ID: 408180). For these reasons, this variant has been classified as Pathogenic.

Literature cited by the submitters: PubMed 19367192 (cited by Labcorp Genetics (formerly Invitae), Labcorp).

NM_000135.4(FANCA):c.1981A>T (p.Arg661Ter)

Gene: FANCA (FA complementation group A; minus strand). Cytogenetic location: 16q24.3.
Variant type: single nucleotide variant.
Coding change: c.1981A>T on transcript NM_000135.4 (MANE Select); coding-DNA position 1981, A replaced by T.
Protein change: p.Arg661Ter; replaces arginine 661 with a stop codon.
Molecular consequence: nonsense.
Genome position (GRCh38, 1-based): chr16:89,773,304, T>A on the plus strand (A>T on the coding strand, the complement: FANCA is on the minus strand). VCF-style: chr16-89773304-T-A. GRCh37 (hg19) VCF-style: chr16-89839712-T-A.
Other names: c.1981A>T (LRG_495t1); c.1981A>T, p.Arg661Ter (NM_001286167.3); short protein forms R661*.
Identifiers: ClinVar variation 408180 (VCV000408180.7), dbSNP rs1060501878, ClinGen allele CA16615029.